The following is an entry in ClinVar:

ClinVar aggregate classification (germline): Uncertain significance (1 of 4 stars; one submission).

Conditions:
Cornelia de Lange syndrome 3 (CDLS3). Also called: CORNELIA DE LANGE SYNDROME 3 WITH OR WITHOUT MIDLINE BRAIN DEFECTS; SMC3-Related Cornelia de Lange Syndrome. Identifiers: Orphanet 199, MedGen C1853099, MONDO:0012555, OMIM 610759.

Submission:

3billion
Classification: Uncertain significance for Cornelia de Lange syndrome 3. Last evaluated: 2024-07-19. Review status: criteria provided, single submitter. Criteria: ACMG Guidelines, 2015. Collection method: clinical testing. Allele origin: germline. Affected: yes.
Comment: The variant is not observed in the gnomAD v4.0.0 dataset. Predicted Consequence/Location: Missense changes are a common disease-causing mechanism. Damaging effect on gene or gene product predicted by in silico programs is uncertain [REVEL: 0.50 (damaging >=0.6, benign <0.4), 3Cnet: 0.05 (damaging >=0.6, benign <0.15)]. Therefore, this variant is classified as VUS according to the recommendation of ACMG/AMP guideline.

NM_005445.4(SMC3):c.2528T>C (p.Val843Ala)

Gene: SMC3 (structural maintenance of chromosomes 3; plus strand). Cytogenetic location: 10q25.2.
Variant type: single nucleotide variant.
Coding change: c.2528T>C on transcript NM_005445.4 (MANE Select); coding-DNA position 2528, T replaced by C.
Protein change: p.Val843Ala; replaces valine 843 with alanine.
Molecular consequence: missense variant.
Genome position (GRCh38, 1-based): chr10:110,600,539, T>C. VCF-style: chr10-110600539-T-C. GRCh37 (hg19) VCF-style: chr10-112360297-T-C.
Other names: short protein forms V843A.
Identifiers: ClinVar variation 4293394 (VCV004293394.1).